The following is an entry in ClinVar:

ClinVar aggregate classification (germline): Pathogenic/Likely pathogenic. Review status: criteria provided, multiple submitters, no conflicts (2 of 4 stars). 4 submissions from 4 submitters: Pathogenic (2); Likely pathogenic (1). 1 of the submissions does not count toward it. Last evaluated 2025-09-22.

Conditions:
Cardiovascular phenotype. Identifiers: MedGen CN230736.
Familial long QT syndrome (RWS). Also called: Congenital long QT syndrome; Romano-Ward syndrome; VENTRICULAR FIBRILLATION WITH PROLONGED QT INTERVAL. Identifiers: Orphanet 768, MedGen C1141890, MONDO:0019171.
Long QT syndrome (LQTS). Identifiers: MedGen C0023976, MeSH D008133, MONDO:0002442. Disease mechanism: loss of function. Inheritance: Various modes of inheritance.
Long QT syndrome 2 (LQT2). Identifiers: Orphanet 101016, Orphanet 768, MedGen C3150943, MONDO:0013367, OMIM 613688.

Submissions (4):

Variantyx, Inc.
Classification: Likely pathogenic for Long QT syndrome 2. Last evaluated: 2025-09-22. Review status: criteria provided, single submitter. Criteria: Variantyx Assertion Criteria 2022. Collection method: clinical testing. Allele origin: germline. Inheritance: Autosomal recessive inheritance.
Comment: This is a nonsynonymous variant in the KCNH2 gene (OMIM: 152427). Pathogenic variants in this gene have been associated with autosomal dominant long QT syndrome 2. This variant has been reported in at least 7 unrelated affected individuals (PMID: 9452080, 10862094, 18441445, 19841300) (PS4_Moderate). This variant is absent from control populations (PM2). Functional studies have shown that this variant alters KCNH2 protein function (10226095, 16432067, 23303164) (PS3), but computational algorithms produce conflicting evidence regarding the predicted functional impact of this variant (REVEL score: 0.631). Based on the current evidence, this variant is classified as likely pathogenic for autosomal dominant long QT syndrome 2.

Labcorp Genetics (formerly Invitae), Labcorp
Classification: Pathogenic for Long QT syndrome. Last evaluated: 2025-03-26. Review status: criteria provided, single submitter. Criteria: Invitae Variant Classification Sherloc (09022015). Collection method: clinical testing. Allele origin: germline.
Comment: This sequence change replaces glycine, which is neutral and non-polar, with serine, which is neutral and polar, at codon 601 of the KCNH2 protein (p.Gly601Ser). This variant is not present in population databases (gnomAD no frequency). This missense change has been observed in individuals with long QT syndrome (LQTS) (PMID: 9452080, 10862094, 18441445, 18752142, 19841300). It has also been observed to segregate with disease in related individuals. ClinVar contains an entry for this variant (Variation ID: 67279). An algorithm developed to predict the effect of missense changes on protein structure and function (PolyPhen-2) suggests that this variant is likely to be tolerated. Experimental studies have shown that this missense change affects KCNH2 function (PMID: 10226095, 12775586, 23303164). For these reasons, this variant has been classified as Pathogenic.

Ambry Genetics
Classification: Pathogenic for Cardiovascular phenotype. Last evaluated: 2024-05-20. Review status: criteria provided, single submitter. Criteria: Ambry Variant Classification Scheme 2023. Collection method: clinical testing. Allele origin: germline.
Comment: The p.G601S pathogenic mutation (also known as c.1801G>A), located in coding exon 7 of the KCNH2 gene, results from a G to A substitution at nucleotide position 1801. The glycine at codon 601 is replaced by serine, an amino acid with similar properties. This variant has been described in multiple patients with long QT syndrome (Akimoto K et al. Hum Mutat. 1998;Suppl 1:S184-6; Swan H et al. J Am Coll Cardiol. 1999;34(3):823-9; Splawski I et al. Circulation. 2000;102(10):1178-85; Nagaoka I et al. Circ J. 2008;72(5):694-9; Giudicessi JR et al. Circ Cardiovasc Genet. 2012;5(5):519-28). In several functional in vivo and in vitro analyses, this variant adversely affected the potassium ion channel, resulting in deficient protein trafficking and repolarization (Furutani M et al. Circulation. 1999;99(17):2290-4; Ficker E et al. J Biol Chem. 2002;277(7):4989-98; Jou CJ et al. Circ Res. 2013;112(5):826-30). In addition, based on internal structural analysis, this variant is anticipated to result in a significant decrease in structural stability (Wang W et al. Cell. 2017 04;169(3):422-430.e10). This amino acid position is not well conserved in available vertebrate species. In addition, this alteration is predicted to be deleterious by in silico analysis. This variant is considered to be rare based on population cohorts in the Genome Aggregation Database (gnomAD). Based on the supporting evidence, this variant is interpreted as a disease-causing mutation.

Cardiovascular Biomedical Research Unit, Royal Brompton & Harefield NHS Foundation Trust
No classification provided. Condition: Familial long QT syndrome. Review status: no classification provided. Collection method: literature only. Allele origin: germline. Not counted in ClinVar's aggregate classification.
Comment: This variant has been reported as associated with Long QT syndrome in the following publications (PMID:9452080;PMID:10483966;PMID:10862094;PMID:16432067;PMID:18441445;PMID:18752142;PMID:19716085;PMID:19841300;PMID:21490315;PMID:21573751;PMID:10226095;PMID:11741928). This is a literature report, and does not necessarily reflect the clinical interpretation of the Imperial College / Royal Brompton Cardiovascular Genetics laboratory.

Literature cited by the submitters: PubMed 9452080 (cited by 4 submitters); PubMed 10862094 (cited by 4 submitters); PubMed 18441445 (cited by 4 submitters); PubMed 19841300 (cited by 3 submitters); PubMed 10226095 (cited by 4 submitters); PubMed 16432067 (cited by Variantyx, Inc. and Cardiovascular Biomedical Research Unit, Royal Brompton & Harefield NHS Foundation Trust); PubMed 23303164 (cited by 3 submitters); PubMed 18752142 (cited by 3 submitters); PubMed 12775586 (cited by Labcorp Genetics (formerly Invitae), Labcorp); PubMed 10483966 (cited by Ambry Genetics and Cardiovascular Biomedical Research Unit, Royal Brompton & Harefield NHS Foundation Trust); PubMed 10973849 (cited by Ambry Genetics); PubMed 11741928 (cited by Ambry Genetics and Cardiovascular Biomedical Research Unit, Royal Brompton & Harefield NHS Foundation Trust); PubMed 19169982 (cited by Ambry Genetics); PubMed 22949429 (cited by Ambry Genetics); PubMed 28431243 (cited by Ambry Genetics); PubMed 19716085 (cited by Cardiovascular Biomedical Research Unit, Royal Brompton & Harefield NHS Foundation Trust); PubMed 21490315 (cited by Cardiovascular Biomedical Research Unit, Royal Brompton & Harefield NHS Foundation Trust); PubMed 21573751 (cited by Cardiovascular Biomedical Research Unit, Royal Brompton & Harefield NHS Foundation Trust); PubMed 22581653 (cited by Cardiovascular Biomedical Research Unit, Royal Brompton & Harefield NHS Foundation Trust).

NM_000238.4(KCNH2):c.1801G>A (p.Gly601Ser)

Gene: KCNH2 (potassium voltage-gated channel subfamily H member 2; minus strand). Cytogenetic location: 7q36.1.
Variant type: single nucleotide variant.
Coding change: c.1801G>A on transcript NM_000238.4 (MANE Select); coding-DNA position 1801, G replaced by A.
Protein change: p.Gly601Ser; replaces glycine 601 with serine.
Molecular consequence: missense variant.
Genome position (GRCh38, 1-based): chr7:150,951,592, C>T on the plus strand (G>A on the coding strand, the complement: KCNH2 is on the minus strand). VCF-style: chr7-150951592-C-T. GRCh37 (hg19) VCF-style: chr7-150648680-C-T.
Other names: c.1801G>A (LRG_288t1); c.781G>A, p.Gly261Ser (NM_001204798.2, NM_172057.3); c.1513G>A, p.Gly505Ser (NM_001406753.1, NM_001406756.1); c.1624G>A, p.Gly542Ser (NM_001406755.1); c.1501G>A, p.Gly501Ser (NM_001406757.1); c.1801G>A, p.Gly601Ser (NM_172056.3); short protein forms G261S, G601S, G542S, G501S, G505S.
Identifiers: ClinVar variation 67279 (VCV000067279.14), dbSNP rs199472936, ClinGen allele CA005525.
Genomic context (GRCh38, chr7:150,951,592, plus strand): 5'-TGCTGAAGGTGAAGTAGAGCGCCGTCACATACTTGTCCTTGATGGAGGGGCCGCCCAGGC[C>T]GCTGCTGTTGTAGGGTTTGCCTATCTGGTCGCCCAGGTTGTGCAGCCAGCCGATGCGTGA-3'
Protein context (NP_000229.1, residues 591-611): DQIGKPYNSS[Gly601Ser]LGGPSIKDKY